The following is an entry in ClinVar:

NM_000135.4(FANCA):c.2618T>G (p.Phe873Cys)

Genes: FANCA (FA complementation group A; minus strand), LOC130059837 (ATAC-STARR-seq lymphoblastoid active region 11420; plus strand). Cytogenetic location: 16q24.3.
Variant type: single nucleotide variant.
Coding change: c.2618T>G on transcript NM_000135.4 (MANE Select); coding-DNA position 2618, T replaced by G.
Protein change: p.Phe873Cys; replaces phenylalanine 873 with cysteine.
Molecular consequence: missense variant.
Genome position (GRCh38, 1-based): chr16:89,765,050, A>C on the plus strand (T>G on the coding strand, the complement: FANCA is on the minus strand). VCF-style: chr16-89765050-A-C. GRCh37 (hg19) VCF-style: chr16-89831458-A-C.
Other names: c.2618T>G (NM_000135.2); c.2618T>G, p.Phe873Cys (NM_001286167.3); short protein forms F873C.
Identifiers: ClinVar variation 1021323 (VCV001021323.12), dbSNP rs756314107, ClinGen allele CA8251613.
Genomic context (GRCh38, chr16:89,765,050, plus strand): 5'-CAGGAAAGGCTGGCTACGTCCTCCTCAGAAAGAGGCTGTCGGGCCTCTGAGAACAATCTG[A>C]ACATGAGGAACTGAAACTGAAACAGAGAGTGACCCGGCCGTTTCTTCATTGCGCAAGTTT-3'
Protein context (NP_000126.2, residues 863-883): GLIKKFQFLM[Phe873Cys]RLFSEARQPL

ClinVar aggregate classification (germline): Uncertain significance. Review status: criteria provided, multiple submitters, no conflicts (2 of 4 stars). 4 submissions from 4 submitters: Uncertain significance (3). 1 of the submissions does not count toward it. Last evaluated 2025-05-27.

Conditions:
Fanconi anemia (FA). Also called: Fanconi's anemia. Identifiers: Orphanet 84, MedGen C0015625, MeSH D005199, MONDO:0019391.
Inborn genetic diseases. Identifiers: MedGen C0950123, MeSH D030342.
Fanconi anemia complementation group A (FANCA). Also called: Fanconi anemia, group A; FANCA-Related Fanconi Anemia. Identifiers: Orphanet 84, MedGen C3469521, MONDO:0009215, OMIM 227650.

Allele frequency attached by ClinVar (database versions not stated): ExAC 0.00001; gnomAD exomes 0.00001 and 0.00002.
gnomAD v4.1: 5 of 1,614,192 alleles (0.00031%); highest among the groups gnomAD compares: Admixed American, 0.0067%; no homozygotes.

Submissions (4):

Ambry Genetics
Classification: Uncertain significance for Inborn genetic diseases. Last evaluated: 2025-05-27. Review status: criteria provided, single submitter. Criteria: Ambry Variant Classification Scheme 2023. Collection method: clinical testing. Allele origin: germline.
Comment: The p.F873C variant (also known as c.2618T>G), located in coding exon 28 of the FANCA gene, results from a T to G substitution at nucleotide position 2618. The phenylalanine at codon 873 is replaced by cysteine, an amino acid with highly dissimilar properties. This amino acid position is conserved. In addition, this alteration is predicted to be tolerated by in silico analysis. Based on the available evidence, the clinical significance of this variant remains unclear.

Labcorp Genetics (formerly Invitae), Labcorp
Classification: Uncertain significance for Fanconi anemia. Last evaluated: 2025-02-25. Review status: criteria provided, single submitter. Criteria: Invitae Variant Classification Sherloc (09022015). Collection method: clinical testing. Allele origin: germline.
Comment: This sequence change replaces phenylalanine, which is neutral and non-polar, with cysteine, which is neutral and slightly polar, at codon 873 of the FANCA protein (p.Phe873Cys). This variant is present in population databases (rs756314107, gnomAD 0.01%). This variant has not been reported in the literature in individuals affected with FANCA-related conditions. ClinVar contains an entry for this variant (Variation ID: 1021323). Invitae Evidence Modeling of protein sequence and biophysical properties (such as structural, functional, and spatial information, amino acid conservation, physicochemical variation, residue mobility, and thermodynamic stability) indicates that this missense variant is not expected to disrupt FANCA protein function with a negative predictive value of 95%. In summary, the available evidence is currently insufficient to determine the role of this variant in disease. Therefore, it has been classified as a Variant of Uncertain Significance.

Fulgent Genetics
Classification: Uncertain significance for Fanconi anemia complementation group A. Last evaluated: 2024-04-11. Review status: criteria provided, single submitter. Criteria: ACMG Guidelines, 2015. Collection method: clinical testing. Allele origin: germline.

Natera, Inc.
Classification: Uncertain significance for Fanconi anemia. Last evaluated: 2020-04-03. Review status: no assertion criteria provided. Collection method: clinical testing. Allele origin: germline. Not counted in ClinVar's aggregate classification.